The following is an entry in ClinVar:

NM_032242.4(PLXNA1):c.585C>T (p.Ser195=)

Gene: PLXNA1 (plexin A1; plus strand). Cytogenetic location: 3q21.3.
Variant type: single nucleotide variant.
Coding change: c.585C>T on transcript NM_032242.4 (MANE Select); coding-DNA position 585, C replaced by T.
Protein change: p.Ser195=; no amino-acid change (serine 195 retained).
Molecular consequence: synonymous variant.
Genome position (GRCh38, 1-based): chr3:126,989,178, C>T. VCF-style: chr3-126989178-C-T. GRCh37 (hg19) VCF-style: chr3-126708021-C-T.
Identifiers: ClinVar variation 3358461 (VCV003358461.2).

ClinVar aggregate classification (germline): Likely benign. Review status: criteria provided, single submitter (1 of 4 stars). 2 submissions from 2 submitters: Likely benign (1). 1 of the submissions does not count toward it. Last evaluated 2025-09-11.

Conditions:
PLXNA1-related disorder. Also called: PLXNA1-related condition.

gnomAD v4.1: 49 of 1,613,410 alleles (0.003%); highest among the groups gnomAD compares: Non-Finnish European, 0.0038%; no homozygotes.

Submissions (2):

Labcorp Genetics (formerly Invitae), Labcorp
Classification: Likely benign. Last evaluated: 2025-09-11. Review status: criteria provided, single submitter. Criteria: Invitae Variant Classification Sherloc (09022015). Collection method: clinical testing. Allele origin: germline.

PreventionGenetics, part of Exact Sciences
Classification: Likely benign for PLXNA1-related condition. Last evaluated: 2023-09-29. Review status: no assertion criteria provided. Collection method: clinical testing. Allele origin: germline. Not counted in ClinVar's aggregate classification.
Comment: This variant is classified as likely benign based on ACMG/AMP sequence variant interpretation guidelines (Richards et al. 2015 PMID: 25741868, with internal and published modifications).